The following is an entry in ClinVar:

NM_005428.4(VAV1):c.2055_2057delinsAAA (p.Ala686Asn)

Gene: VAV1 (vav guanine nucleotide exchange factor 1; plus strand). Cytogenetic location: 19p13.3.
Variant type: Indel.
Coding change: c.2055_2057delinsAAA on transcript NM_005428.4 (MANE Select); coding-DNA positions 2055 to 2057, GGC replaced by AAA.
Protein change: p.Ala686Asn; replaces alanine 686 with asparagine.
Molecular consequence: missense variant.
Genome position (GRCh38, 1-based): chr19:6,848,040-6,848,042, GGC replaced by AAA. VCF-style: chr19-6848040-GGC-AAA. GRCh37 (hg19) VCF-style: chr19-6848051-GGC-AAA.
Other names: c.1989_1991delinsAAA, p.Ala664Asn (NM_001258206.2); c.1959_1961delinsAAA, p.Ala654Asn (NM_001258207.2); short protein forms A654N, A664N, A686N.
Identifiers: ClinVar variation 4774263 (VCV004774263.1).

ClinVar aggregate classification (germline): Uncertain significance (1 of 4 stars; one submission).

Submission:

Labcorp Genetics (formerly Invitae), Labcorp
Classification: Uncertain significance. Last evaluated: 2025-10-05. Review status: criteria provided, single submitter. Criteria: Invitae Variant Classification Sherloc (09022015). Collection method: clinical testing. Allele origin: germline.
Comment: This sequence change replaces alanine, which is neutral and non-polar, with asparagine, which is neutral and polar, at codon 686 of the VAV1 protein (p.Ala686Asn). Information on the frequency of this variant in the gnomAD database is not available, as this variant may be reported differently in the database. This variant has not been reported in the literature in individuals affected with VAV1-related conditions. Experimental studies and prediction algorithms are not available or were not evaluated, and the functional significance of this variant is currently unknown. In summary, the available evidence is currently insufficient to determine the role of this variant in disease. Therefore, it has been classified as a Variant of Uncertain Significance.